The following is an entry in ClinVar:

ClinVar aggregate classification (germline): Uncertain significance (0 of 4 stars; one submission).

Conditions:
CUX2-related disorder. Also called: CUX2-related condition.

Allele frequency attached by ClinVar (database versions not stated): gnomAD exomes below 0.00001.
gnomAD v4.1: 2 of 1,579,672 alleles (0.00013%); highest among the groups gnomAD compares: Non-Finnish European, 0.00017%; no homozygotes.

Submission:

PreventionGenetics, part of Exact Sciences
Classification: Uncertain significance for CUX2-related condition. Last evaluated: 2023-12-21. Review status: no assertion criteria provided. Collection method: clinical testing. Allele origin: germline.
Comment: The CUX2 c.711T>A variant is predicted to result in the amino acid substitution p.Asp237Glu. To our knowledge, this variant has not been reported in the literature or in a large population database, indicating this variant is rare. At this time, the clinical significance of this variant is uncertain due to the absence of conclusive functional and genetic evidence.

NM_015267.4(CUX2):c.711T>A (p.Asp237Glu)

Gene: CUX2 (cut like homeobox 2; plus strand). Cytogenetic location: 12q24.11.
Variant type: single nucleotide variant.
Coding change: c.711T>A on transcript NM_015267.4 (MANE Select); coding-DNA position 711, T replaced by A.
Protein change: p.Asp237Glu; replaces aspartic acid 237 with glutamic acid.
Molecular consequence: missense variant.
Genome position (GRCh38, 1-based): chr12:111,298,547, T>A. VCF-style: chr12-111298547-T-A. GRCh37 (hg19) VCF-style: chr12-111736351-T-A.
Other names: c.525T>A, p.Asp175Glu (NM_001370598.1); short protein forms D175E, D237E.
Identifiers: ClinVar variation 3030201 (VCV003030201.2), dbSNP rs1470202335, ClinGen allele CA386723334.